The following is an entry in ClinVar:

NM_003900.5(SQSTM1):c.431T>A (p.Val144Asp)

Gene: SQSTM1 (sequestosome 1; plus strand). Cytogenetic location: 5q35.3.
Variant type: single nucleotide variant.
Coding change: c.431T>A on transcript NM_003900.5 (MANE Select); coding-DNA position 431, T replaced by A.
Protein change: p.Val144Asp; replaces valine 144 with aspartic acid.
Molecular consequence: missense variant.
Genome position (GRCh38, 1-based): chr5:179,823,987, T>A. VCF-style: chr5-179823987-T-A. GRCh37 (hg19) VCF-style: chr5-179250987-T-A.
Other names: c.179T>A, p.Val60Asp (NM_001142298.2, NM_001142299.2); short protein forms V144D, V60D.
Identifiers: ClinVar variation 856208 (VCV000856208.6), dbSNP rs1442832120, ClinGen allele CA362443848.

ClinVar aggregate classification (germline): Uncertain significance. Review status: criteria provided, multiple submitters, no conflicts (2 of 4 stars). 2 submissions from 2 submitters: Uncertain significance (2). Last evaluated 2025-11-23.

Conditions:
Frontotemporal dementia and/or amyotrophic lateral sclerosis 1 (FTDALS1). Also called: C9orf72 Frontotemporal Dementia and/or Amyotrophic Lateral Sclerosis; Frontotemporal dementia with motor neuron disease 1. Identifiers: Orphanet 275872, MedGen C5779877, MONDO:0007105, OMIM 105550.
Paget disease of bone 2, early-onset (PDB2). Also called: Paget disease of bone 2. Identifiers: MedGen C4085251, MONDO:0011183, OMIM 602080.
Inborn genetic diseases. Identifiers: MedGen C0950123, MeSH D030342.

Allele frequency attached by ClinVar (database versions not stated): gnomAD exomes below 0.00001 and 0.00001; TOPMed below 0.00001; gnomAD 0.00001.
gnomAD v4.1: 13 of 1,613,916 alleles (0.00081%); highest among the groups gnomAD compares: Non-Finnish European, 0.00093%; no homozygotes.

Submissions (2):

Labcorp Genetics (formerly Invitae), Labcorp
Classification: Uncertain significance for Paget disease of bone 2, early-onset; Frontotemporal dementia and/or amyotrophic lateral sclerosis 1. Last evaluated: 2025-11-23. Review status: criteria provided, single submitter. Criteria: Invitae Variant Classification Sherloc (09022015). Collection method: clinical testing. Allele origin: germline.
Comment: This sequence change replaces valine, which is neutral and non-polar, with aspartic acid, which is acidic and polar, at codon 144 of the SQSTM1 protein (p.Val144Asp). This variant is present in population databases (no rsID available, gnomAD 0.0009%). This variant has not been reported in the literature in individuals affected with SQSTM1-related conditions. ClinVar contains an entry for this variant (Variation ID: 856208). Invitae Evidence Modeling of protein sequence and biophysical properties (such as structural, functional, and spatial information, amino acid conservation, physicochemical variation, residue mobility, and thermodynamic stability) indicates that this missense variant is expected to disrupt SQSTM1 protein function with a positive predictive value of 80%. In summary, the available evidence is currently insufficient to determine the role of this variant in disease. Therefore, it has been classified as a Variant of Uncertain Significance.

Ambry Genetics
Classification: Uncertain significance for Inborn genetic diseases. Last evaluated: 2024-03-25. Review status: criteria provided, single submitter. Criteria: Ambry Variant Classification Scheme 2023. Collection method: clinical testing. Allele origin: germline.